The following is an entry in ClinVar:

NM_001395656.1(ROBO2):c.*1216C>T

Gene: ROBO2 (roundabout guidance receptor 2; plus strand). Cytogenetic location: 3p12.3.
Variant type: single nucleotide variant.
Coding change: c.*1216C>T on transcript NM_001395656.1 (MANE Select); 1216 bases downstream of the stop codon, C replaced by T.
Molecular consequence: 3 prime UTR variant.
Genome position (GRCh38, 1-based): chr3:77,647,271, C>T. VCF-style: chr3-77647271-C-T. GRCh37 (hg19) VCF-style: chr3-77696422-C-T.
Other names: c.*1216C>T (NM_001128929.3, NM_001290039.2, NM_001290040.2 and 14 more transcripts); c.*1213C>T (NM_001378194.1, NM_001378196.1, NM_001378199.1 and 3 more transcripts).
Identifiers: ClinVar variation 346732 (VCV000346732.7), dbSNP rs1031377, ClinGen allele CA10619644.

ClinVar aggregate classification (germline): Benign. Review status: criteria provided, multiple submitters, no conflicts (2 of 4 stars). 2 submissions from 2 submitters: Benign (2). Last evaluated 2018-01-13.

Conditions:
Vesicoureteral reflux 2 (VUR2). Identifiers: Orphanet 289365, MedGen C1970483, MONDO:0012573, OMIM 610878.

Allele frequency attached by ClinVar (database versions not stated): 1000 Genomes Project 30x 0.57277; 1000 Genomes Project 0.57788; gnomAD 0.58056; TOPMed 0.58577.
gnomAD v4.1: 88,279 of 151,768 alleles (58%); highest among the groups gnomAD compares: Admixed American, 65%; 25,883 homozygotes.

Submissions (2):

Illumina Laboratory Services, Illumina
Classification: Benign for Vesicoureteral reflux 2. Last evaluated: 2018-01-13. Review status: criteria provided, single submitter. Criteria: ICSL Variant Classification Criteria 13 December 2019. Collection method: clinical testing. Allele origin: germline.
Comment: This variant was observed in the ICSL laboratory as part of a predisposition screen in an ostensibly healthy population. It had not been previously curated by ICSL or reported in the Human Gene Mutation Database (HGMD: prior to June 1st, 2018), and was therefore a candidate for classification through an automated scoring system. Utilizing variant allele frequency, disease prevalence and penetrance estimates, and inheritance mode, an automated score was calculated to assess if this variant is too frequent to cause the disease. Based on the score and internal cut-off values, a variant classified as benign is not then subjected to further curation. The score for this variant resulted in a classification of benign for this disease.

Breakthrough Genomics
Classification: Benign. Review status: criteria provided, single submitter. Criteria: ACMG Guidelines, 2015. Collection method: not provided. Allele origin: germline. Inheritance: Autosomal dominant inheritance. Affected: yes.